The following is an entry in ClinVar:

ClinVar aggregate classification (germline): Benign/Likely benign. Review status: criteria provided, multiple submitters, no conflicts (2 of 4 stars). 2 submissions from 2 submitters: Benign (1); Likely benign (1). Last evaluated 2026-02-01.

Allele frequency attached by ClinVar (database versions not stated): TOPMed 0.00022; gnomAD 0.00046.
gnomAD v4.1: 78 of 200,216 alleles (0.039%); highest among the groups gnomAD compares: Non-Finnish European, 0.058%; no homozygotes.

Submissions (2):

CeGaT Center for Human Genetics Tuebingen
Classification: Likely benign. Last evaluated: 2026-02-01. Review status: criteria provided, single submitter. Criteria: CeGaT Center For Human Genetics Tuebingen Variant Classification Criteria Version 2. Collection method: clinical testing. Allele origin: germline. Affected: yes. Observed: 5 variant alleles.
Comment: BRIP1: BP4, BP7

Laboratory of Genetics, Children's Clinical University Hospital Latvia
Classification: Benign. Last evaluated: 2025-02-16. Review status: criteria provided, single submitter. Criteria: ACMG Guidelines, 2015. Collection method: clinical testing. Allele origin: germline. Affected: yes.

NM_032043.3(BRIP1):c.2379+3737A>C

Gene: BRIP1 (BRCA1 interacting DNA helicase 1; minus strand). Cytogenetic location: 17q23.2.
Variant type: single nucleotide variant.
Coding change: c.2379+3737A>C on transcript NM_032043.3 (MANE Select); 3737 bases into the intron after coding-DNA position 2379, A replaced by C.
Molecular consequence: intron variant.
Genome position (GRCh38, 1-based): chr17:61,739,276, T>G on the plus strand (A>C on the coding strand, the complement: BRIP1 is on the minus strand). VCF-style: chr17-61739276-T-G. GRCh37 (hg19) VCF-style: chr17-59816637-T-G.
Identifiers: ClinVar variation 2570993 (VCV002570993.28), dbSNP rs781102554, ClinGen allele CA8690542.